The following is an entry in ClinVar:

ClinVar aggregate classification (germline): Conflicting classifications of pathogenicity. Review status: criteria provided, conflicting classifications (1 of 4 stars). 3 submissions from 3 submitters: Uncertain significance (2); Likely benign (1). Last evaluated 2026-07-09.

Conditions:
Hereditary cancer-predisposing syndrome. Also called: Neoplastic Syndromes, Hereditary; Hereditary Cancer Syndrome; Tumor predisposition; Hereditary neoplastic syndrome. Identifiers: Orphanet 140162, MedGen C0027672, MeSH D009386, MONDO:0015356.
Cardiovascular phenotype. Identifiers: MedGen CN230736.
Neurofibromatosis, type 1 (NF1). Also called: VON RECKLINGHAUSEN DISEASE; Neurofibromatosis, type I; NEUROFIBROMATOSIS, TYPE I, SOMATIC; Peripheral type neurofibromatosis. Identifiers: Orphanet 636, MedGen C0027831, MONDO:0018975, OMIM 162200. Disease mechanism: loss of function.
Neurofibromatosis, familial spinal (FSNF). Identifiers: Orphanet 636, MedGen C1834235, MONDO:0008078, OMIM 162210. Disease mechanism: loss of function.
Neurofibromatosis-Noonan syndrome (NFNS). Also called: NEUROFIBROMATOSIS WITH NOONAN PHENOTYPE. Identifiers: Orphanet 638, MedGen C2931482, MONDO:0011035, OMIM 601321. Disease mechanism: loss of function.
Café-au-lait macules with pulmonary stenosis (WTSN). Also called: PULMONIC STENOSIS WITH CAFE-AU-LAIT SPOTS. Identifiers: MedGen C0553586, MONDO:0008672, OMIM 193520.
Juvenile myelomonocytic leukemia (JMML). Also called: LEUKEMIA, JUVENILE MYELOMONOCYTIC, SOMATIC. Identifiers: Orphanet 86834, MedGen C0349639, MONDO:0011908, OMIM 607785, HP:0012209.

Allele frequency attached by ClinVar (database versions not stated): ExAC 0.00001; gnomAD exomes below 0.00001; TOPMed 0.00002.
gnomAD v4.1: 2 of 1,611,696 alleles (0.00012%); highest among the groups gnomAD compares: Admixed American, 0.0033%; no homozygotes.

Submissions (3):

Ambry Genetics
Classification: Uncertain significance for Cardiovascular phenotype; Hereditary cancer-predisposing syndrome. Last evaluated: 2026-07-09. Review status: criteria provided, single submitter. Criteria: Ambry Variant Classification Scheme 2023. Collection method: clinical testing. Allele origin: germline.
Comment: The p.D2038N variant (also known as c.6112G>A), located in coding exon 41 of the NF1 gene, results from a G to A substitution at nucleotide position 6112. The aspartic acid at codon 2038 is replaced by asparagine, an amino acid with highly similar properties. This amino acid position is highly conserved in available vertebrate species. In addition, this alteration is predicted to be tolerated by in silico analysis. Based on the available evidence, the clinical significance of this variant remains unclear.

Labcorp Genetics (formerly Invitae), Labcorp
Classification: Likely benign for Neurofibromatosis, type 1. Last evaluated: 2025-07-21. Review status: criteria provided, single submitter. Criteria: Invitae Variant Classification Sherloc (09022015). Collection method: clinical testing. Allele origin: germline.

Fulgent Genetics
Classification: Uncertain significance for Neurofibromatosis, type 1; Neurofibromatosis, familial spinal; Café-au-lait macules with pulmonary stenosis; Neurofibromatosis-Noonan syndrome; Juvenile myelomonocytic leukemia. Last evaluated: 2021-12-15. Review status: criteria provided, single submitter. Criteria: ACMG Guidelines, 2015. Collection method: clinical testing. Allele origin: unknown.

NM_001042492.3(NF1):c.6175G>A (p.Asp2059Asn)

Gene: NF1 (neurofibromin 1; plus strand). Cytogenetic location: 17q11.2.
Variant type: single nucleotide variant.
Coding change: c.6175G>A on transcript NM_001042492.3 (MANE Select); coding-DNA position 6175, G replaced by A.
Protein change: p.Asp2059Asn; replaces aspartic acid 2059 with asparagine.
Molecular consequence: missense variant.
Genome position (GRCh38, 1-based): chr17:31,336,662, G>A. VCF-style: chr17-31336662-G-A. GRCh37 (hg19) VCF-style: chr17-29663680-G-A.
Other names: c.6112G>A, p.Asp2038Asn (NM_000267.4); short protein forms D2038N, D2059N.
Identifiers: ClinVar variation 404603 (VCV000404603.12), dbSNP rs761029453, ClinGen allele CA8487326.